The following is an entry in ClinVar:

ClinVar aggregate classification (germline): Uncertain significance (1 of 4 stars; one submission).

Conditions:
Nemaline myopathy 5 (NEM5A). Also called: Nemaline myopathy 5, Amish type; NEMALINE MYOPATHY 5A, AUTOSOMAL RECESSIVE, SEVERE INFANTILE; NEMALINE MYOPATHY, AMISH TYPE. Identifiers: Orphanet 98902, MedGen C1854380, MONDO:0011539, OMIM 605355.

Submission:

Labcorp Genetics (formerly Invitae), Labcorp
Classification: Uncertain significance for Nemaline myopathy 5. Last evaluated: 2022-08-31. Review status: criteria provided, single submitter. Criteria: Invitae Variant Classification Sherloc (09022015). Collection method: clinical testing. Allele origin: germline.
Comment: This variant has not been reported in the literature in individuals affected with TNNT1-related conditions. In summary, the available evidence is currently insufficient to determine the role of this variant in disease. Therefore, it has been classified as a Variant of Uncertain Significance. Algorithms developed to predict the effect of missense changes on protein structure and function output the following: SIFT: "Deleterious"; PolyPhen-2: "Benign"; Align-GVGD: "Class C0". The arginine amino acid residue is found in multiple mammalian species, which suggests that this missense change does not adversely affect protein function. ClinVar contains an entry for this variant (Variation ID: 1346756). This variant is not present in population databases (gnomAD no frequency). This sequence change replaces glutamine, which is neutral and polar, with arginine, which is basic and polar, at codon 214 of the TNNT1 protein (p.Gln214Arg).

NM_003283.6(TNNT1):c.641A>G (p.Gln214Arg)

Gene: TNNT1 (troponin T1, slow skeletal type; minus strand). Cytogenetic location: 19q13.42.
Variant type: single nucleotide variant.
Coding change: c.641A>G on transcript NM_003283.6 (MANE Select); coding-DNA position 641, A replaced by G.
Protein change: p.Gln214Arg; replaces glutamine 214 with arginine.
Molecular consequence: missense variant. On other transcripts: intron variant (3).
Genome position (GRCh38, 1-based): chr19:55,134,175, T>C on the plus strand (A>G on the coding strand, the complement: TNNT1 is on the minus strand). VCF-style: chr19-55134175-T-C. GRCh37 (hg19) VCF-style: chr19-55645543-T-C.
Other names: c.579-19A>G (NM_001126133.3, NM_001291774.2); c.612-19A>G (NM_001126132.3); short protein forms Q214R.
Identifiers: ClinVar variation 1346756 (VCV001346756.6), dbSNP rs2147236699, ClinGen allele CA407432046.